The following is an entry in ClinVar:

NM_017617.5(NOTCH1):c.6180+126G>A

Genes: NOTCH1 (notch receptor 1; minus strand), LOC126860794 (BRD4-independent group 4 enhancer GRCh37_chr9:139392592-139393791; plus strand). Cytogenetic location: 9q34.3.
Variant type: single nucleotide variant.
Coding change: c.6180+126G>A on transcript NM_017617.5 (MANE Select); 126 bases into the intron after coding-DNA position 6180, G replaced by A.
Molecular consequence: intron variant.
Genome position (GRCh38, 1-based): chr9:136,498,773, C>T on the plus strand (G>A on the coding strand, the complement: NOTCH1 is on the minus strand). VCF-style: chr9-136498773-C-T. GRCh37 (hg19) VCF-style: chr9-139393225-C-T.
Identifiers: ClinVar variation 679457 (VCV000679457.2), dbSNP rs79872302, ClinGen allele CA201637382.

ClinVar aggregate classification (germline): Likely benign. Review status: criteria provided, multiple submitters, no conflicts (2 of 4 stars). 2 submissions from 2 submitters: Likely benign (2). Last evaluated 2018-06-14.

Allele frequency attached by ClinVar (database versions not stated): gnomAD 0.00985 and 0.01059; 1000 Genomes Project 0.01038; TOPMed 0.01073; 1000 Genomes Project 30x 0.01140.
gnomAD v4.1: 2,466 of 1,094,576 alleles (0.23%); highest among the groups gnomAD compares: African/African-American, 3.4%; 53 homozygotes.

Submissions (2):

GeneDx
Classification: Likely benign. Last evaluated: 2018-06-14. Review status: criteria provided, single submitter. Criteria: GeneDx Variant Classification (06012015). Collection method: clinical testing. Allele origin: germline. Affected: yes.
Comment: This variant is considered likely benign or benign based on one or more of the following criteria: it is a conservative change, it occurs at a poorly conserved position in the protein, it is predicted to be benign by multiple in silico algorithms, and/or has population frequency not consistent with disease.

Breakthrough Genomics
Classification: Likely benign. Review status: criteria provided, single submitter. Criteria: ACMG Guidelines, 2015. Collection method: not provided. Allele origin: germline. Inheritance: Autosomal dominant inheritance. Affected: yes.